The following is an entry in ClinVar:

ClinVar aggregate classification (germline): Uncertain significance (1 of 4 stars; one submission).

Conditions:
Immunodeficiency 36 with lymphoproliferation. Also called: ACTIVATED PI3K-DELTA SYNDROME 2; Immunodeficiency 36; Activated PI3K Delta Syndrome Type 2 (APDS2). Identifiers: Orphanet 397596, Orphanet 693681, MedGen C4014934, MONDO:0014453, OMIM 616005.
SHORT syndrome. Also called: LIPODYSTROPHY, PARTIAL, WITH RIEGER ANOMALY AND SHORT STATURE; PIK3R1-Related SHORT Syndrome; SHORT STATURE, HYPEREXTENSIBILITY, HERNIA, OCULAR DEPRESSION, RIEGER ANOMALY, AND TEETHING DELAY. Identifiers: Orphanet 3163, MedGen C0878684, MONDO:0010026, OMIM 269880.
Agammaglobulinemia 7, autosomal recessive (AGM7). Also called: AGAMMAGLOBULINEMIA, AUTOSOMAL RECESSIVE, DUE TO PIK3R1 DEFECT. Identifiers: MedGen C3554689, MONDO:0014083, OMIM 615214.

Allele frequency attached by ClinVar (database versions not stated): gnomAD exomes below 0.00001; TOPMed below 0.00001.
gnomAD v4.1: 5 of 1,614,118 alleles (0.00031%); highest among the groups gnomAD compares: Non-Finnish European, 0.00042%; no homozygotes.

Submission:

Labcorp Genetics (formerly Invitae), Labcorp
Classification: Uncertain significance for SHORT syndrome; Immunodeficiency 36 with lymphoproliferation; Agammaglobulinemia 7, autosomal recessive. Last evaluated: 2024-03-28. Review status: criteria provided, single submitter. Criteria: Invitae Variant Classification Sherloc (09022015). Collection method: clinical testing. Allele origin: germline.
Comment: This sequence change replaces alanine, which is neutral and non-polar, with threonine, which is neutral and polar, at codon 676 of the PIK3R1 protein (p.Ala676Thr). This variant is not present in population databases (gnomAD no frequency). This variant has not been reported in the literature in individuals affected with PIK3R1-related conditions. ClinVar contains an entry for this variant (Variation ID: 1461983). Advanced modeling of protein sequence and biophysical properties (such as structural, functional, and spatial information, amino acid conservation, physicochemical variation, residue mobility, and thermodynamic stability) performed at Invitae indicates that this missense variant is not expected to disrupt PIK3R1 protein function with a negative predictive value of 80%. In summary, the available evidence is currently insufficient to determine the role of this variant in disease. Therefore, it has been classified as a Variant of Uncertain Significance.

NM_181523.3(PIK3R1):c.2026G>A (p.Ala676Thr)

Gene: PIK3R1 (phosphoinositide-3-kinase regulatory subunit 1; plus strand). Cytogenetic location: 5q13.1.
Variant type: single nucleotide variant.
Coding change: c.2026G>A on transcript NM_181523.3 (MANE Select); coding-DNA position 2026, G replaced by A.
Protein change: p.Ala676Thr; replaces alanine 676 with threonine.
Molecular consequence: missense variant.
Genome position (GRCh38, 1-based): chr5:68,297,452, G>A. VCF-style: chr5-68297452-G-A. GRCh37 (hg19) VCF-style: chr5-67593280-G-A.
Other names: c.937G>A, p.Ala313Thr (NM_001242466.2); c.1216G>A, p.Ala406Thr (NM_181504.4); c.1126G>A, p.Ala376Thr (NM_181524.2); short protein forms A313T, A376T, A406T, A676T.
Identifiers: ClinVar variation 1461983 (VCV001461983.8), dbSNP rs1747786981, ClinGen allele CA359885271.
Genomic context (GRCh38, chr5:68,297,452, plus strand): 5'-TTTTCTTCTCTCCTCTCTAGGGTGGACGGCGAAGTAAAGCATTGTGTCATAAACAAAACA[G>A]CAACTGGCTATGGCTTTGCCGAGCCCTATAACTTGTACAGCTCTCTGAAAGAACTGGTGC-3'
Protein context (NP_852664.1, residues 666-686): EVKHCVINKT[Ala676Thr]TGYGFAEPYN